The following is an entry in ClinVar:

ClinVar aggregate classification (germline): Likely benign (1 of 4 stars; one submission).

Allele frequency attached by ClinVar (database versions not stated): TOPMed 0.02865; 1000 Genomes Project 30x 0.01593; gnomAD 0.02802 and 0.02960; 1000 Genomes Project 0.01498.

Submission:

GeneDx
Classification: Likely benign. Last evaluated: 2018-06-14. Review status: criteria provided, single submitter. Criteria: GeneDx Variant Classification (06012015). Collection method: clinical testing. Allele origin: germline. Affected: yes.
Comment: This variant is considered likely benign or benign based on one or more of the following criteria: it is a conservative change, it occurs at a poorly conserved position in the protein, it is predicted to be benign by multiple in silico algorithms, and/or has population frequency not consistent with disease.

NM_001927.3(DES):c.-281C>T

Genes: DES (desmin; plus strand), DES-LCR (desmin locus control region; plus strand). Cytogenetic location: 2q35.
Variant type: single nucleotide variant.
Coding change: c.-281C>T on transcript NM_001927.3; 281 bases upstream of the start codon, C replaced by T.
Genome position (GRCh38, 1-based): chr2:219,418,182, C>T. VCF-style: chr2-219418182-C-T. GRCh37 (hg19) VCF-style: chr2-220282904-C-T.
Identifiers: ClinVar variation 669426 (VCV000669426.3), dbSNP rs2854886, ClinGen allele CA65980288.
Genomic context (GRCh38, chr2:219,418,182, plus strand): 5'-TGAAAGAGGCCCGCCTGGGGGCTGCAGACATGCTTGCTGCCTGCCCTGGCGAAGGATTGG[C>T]AGGCTTGCCCGTCACAGGACCCCCGCTGGCTGACTCAGGGGCGCAGGCCTCTTGCGGGGG-3'